The following is an entry in ClinVar:

NM_004183.4(BEST1):c.867+102A>C

Gene: BEST1 (bestrophin 1; plus strand). Cytogenetic location: 11q12.3.
Variant type: single nucleotide variant.
Coding change: c.867+102A>C on transcript NM_004183.4 (MANE Select); 102 bases into the intron after coding-DNA position 867, A replaced by C.
Molecular consequence: intron variant. On other transcripts: synonymous variant (1), 5 prime UTR variant (1), non-coding transcript variant (1).
Genome position (GRCh38, 1-based): chr11:61,958,400, A>C. VCF-style: chr11-61958400-A-C. GRCh37 (hg19) VCF-style: chr11-61725872-A-C.
Other names: c.969A>C, p.Ser323= (NM_001363592.2); c.-207A>C (NM_001363593.3); c.867+102A>C (NM_001440571.1, NM_001440572.1); c.714+936A>C (NM_001440573.1); c.687+102A>C (NM_001139443.3, NM_001300787.2, NM_001440574.1 and 1 more transcripts); c.534+936A>C (NM_001440575.1, NM_001440576.1); c.549+102A>C (NM_001363591.3).
Identifiers: ClinVar variation 4990661 (VCV004990661.1).

ClinVar aggregate classification (germline): Likely benign (1 of 4 stars; one submission).

Conditions:
BEST1-related disorder. Also called: BEST1-related disorders; BEST1-related condition. Identifiers: MedGen CN239200.

gnomAD v4.1: 23 of 1,587,974 alleles (0.0014%); highest among the groups gnomAD compares: Non-Finnish European, 0.002%; no homozygotes.

Submission:

PreventionGenetics, part of Exact Sciences
Classification: Likely benign for BEST1-related condition. Last evaluated: 2025-07-23. Review status: criteria provided, single submitter. Criteria: ACMG Guidelines, 2015. Collection method: clinical testing. Allele origin: germline.
Comment: This variant is classified as likely benign based on ACMG/AMP sequence variant interpretation guidelines (Richards et al. 2015 PMID: 25741868, with internal and published modifications).